The following is an entry in ClinVar:

NM_033305.3(VPS13A):c.8364dup (p.Ala2789fs)

Gene: VPS13A (vacuolar protein sorting 13 homolog A; plus strand). Cytogenetic location: 9q21.2.
Variant type: Duplication.
Coding change: c.8364dup on transcript NM_033305.3 (MANE Select); coding-DNA position 8364, one base duplicated (A; older notation c.8364dupA).
Protein change: p.Ala2789fs; shifts the reading frame from alanine 2789.
Molecular consequence: frameshift variant.
Genome position (GRCh38, 1-based): chr9:77,366,765, A duplicated; the last of 2 consecutive A bases (chr9:77,366,764-77,366,765); duplicating either gives the same sequence. VCF-style (leftmost placement, unchanged base first): chr9-77366763-G-GA. GRCh37 (hg19) VCF-style: chr9-79981679-G-GA.
Other names: c.8247dup, p.Ala2750fs (NM_001018037.2); c.8364dup, p.Ala2789fs (NM_001018038.3, NM_015186.4); short protein forms A2750fs, A2789fs.
Identifiers: ClinVar variation 5012087 (VCV005012087.1).

ClinVar aggregate classification (germline): Pathogenic (1 of 4 stars; one submission).

Conditions:
VPS13A-related neurodegenerative disease. Also called: ACANTHOCYTOSIS WITH NEUROLOGIC DISORDER; LEVINE-CRITCHLEY SYNDROME; Choreoacanthocytosis; Chorea-acanthocytosis; Choreaacanthocytosis; VPS13A Disease. Identifiers: Orphanet 2388, MedGen C0393576, MONDO:0008695, OMIM 200150.

Submission:

Myriad Genetics, Inc.
Classification: Pathogenic for VPS13A-related neurodegenerative disease. Last evaluated: 2023-09-27. Review status: criteria provided, single submitter. Criteria: Myriad Autosomal Dominant, Autosomal Recessive and X-Linked Classification Criteria (2023). Collection method: clinical testing. Allele origin: unknown.
Comment: NM_033305.2(VPS13A):c.8364dupA(A2789Sfs*2) is expected to be pathogenic in the context of VPS13A disease. This variant is predicted to lead to an abnormal or absent protein product due to the creation of a premature termination codon in VPS13A, a gene where loss-of-function variants are known to be pathogenic. Please note: this variant was assessed in the context of healthy population screening.